The following is an entry in ClinVar:

NM_007294.4(BRCA1):c.4897A>T (p.Ser1633Cys)

Gene: BRCA1 (BRCA1 DNA repair associated; minus strand). Cytogenetic location: 17q21.31.
Variant type: single nucleotide variant.
Coding change: c.4897A>T on transcript NM_007294.4 (MANE Select); coding-DNA position 4897, A replaced by T.
Protein change: p.Ser1633Cys; replaces serine 1633 with cysteine.
Molecular consequence: missense variant. On other transcripts: non-coding transcript variant (1).
Genome position (GRCh38, 1-based): chr17:43,071,017, T>A on the plus strand (A>T on the coding strand, the complement: BRCA1 is on the minus strand). VCF-style: chr17-43071017-T-A. GRCh37 (hg19) VCF-style: chr17-41223034-T-A.
Other names: c.4684A>T, p.Ser1562Cys (NM_001407571.1, NM_001407898.1, NM_001407899.1 and 12 more transcripts); c.4963A>T, p.Ser1655Cys (NM_001407581.1, NM_001407582.1); c.4960A>T, p.Ser1654Cys (NM_001407583.1, NM_001407585.1, NM_001407587.1 and 1 more transcripts); c.4957A>T, p.Ser1653Cys (NM_001407590.1, NM_001407591.1); c.4897A>T, p.Ser1633Cys (NM_001407593.1, NM_001407594.1, NM_001407596.1 and 8 more transcripts); c.4894A>T, p.Ser1632Cys (NM_001407610.1, NM_001407611.1, NM_001407612.1 and 17 more transcripts); c.4891A>T, p.Ser1631Cys (NM_001407627.1, NM_001407628.1, NM_001407629.1 and 14 more transcripts); c.4882A>T, p.Ser1628Cys (NM_001407647.1); and 70 more; short protein forms S1633C, S1586C, S1654C, S529C, S1521C, S1522C, S1545C, S1561C.
Identifiers: ClinVar variation 865662 (VCV000865662.3), dbSNP rs1555580711, ClinGen allele CA10591731.

Conditions:
Breast-ovarian cancer, familial, susceptibility to, 1 (BROVCA1). Also called: BRCA1 Hereditary Breast and Ovarian Cancer; OVARIAN CANCER, SUSCEPTIBILITY TO. Identifiers: Orphanet 145, MedGen C2676676, MONDO:0011450, OMIM 604370. Disease mechanism: loss of function.

Submission:

Brotman Baty Institute, University of Washington
No classification provided (evidence only). Condition: Breast-ovarian cancer, familial 1. Review status: no classification provided. Collection method: in vitro. Allele origin: not applicable. Functional consequence: functionally_normal.
ClinVar note: "not provided" was previously submitted as the classification for the variant. However, the classification appeared to be based only on an observation of functional data so it was converted to no classification on 2025-07-30.